The following is an entry in ClinVar:

ClinVar aggregate classification (germline): Conflicting classifications of pathogenicity. Review status: criteria provided, conflicting classifications (1 of 4 stars). 6 submissions from 6 submitters: Uncertain significance (2); Benign (1); Likely benign (3). Last evaluated 2025-12-22.

Conditions:
PIEZO1-related disorder. Also called: PIEZO1-Related Disorders; PIEZO1-related condition.

Allele frequency attached by ClinVar (database versions not stated): gnomAD exomes 0.00006 and 0.00009; gnomAD 0.00014; TOPMed 0.00034; 1000 Genomes Project 30x 0.00062.
gnomAD v4.1: 113 of 1,535,420 alleles (0.0074%); highest among the groups gnomAD compares: Middle Eastern, 0.43%; 3 homozygotes.

Submissions (6):

Labcorp Genetics (formerly Invitae), Labcorp
Classification: Benign. Last evaluated: 2025-12-22. Review status: criteria provided, single submitter. Criteria: Invitae Variant Classification Sherloc (09022015). Collection method: clinical testing. Allele origin: germline.

Mayo Clinic Laboratories, Mayo Clinic
Classification: Uncertain significance. Last evaluated: 2025-05-30. Review status: criteria provided, single submitter. Criteria: ACMG Guidelines, 2015. Collection method: clinical testing. Allele origin: germline. Observed: 5 variant alleles.
Comment: BP4

PreventionGenetics, part of Exact Sciences
Classification: Likely benign for PIEZO1-related condition. Last evaluated: 2024-11-20. Review status: criteria provided, single submitter. Criteria: ACMG Guidelines, 2015. Collection method: clinical testing. Allele origin: germline.
Comment: This variant is classified as likely benign based on ACMG/AMP sequence variant interpretation guidelines (Richards et al. 2015 PMID: 25741868, with internal and published modifications).

Revvity Omics, Revvity
Classification: Likely benign. Last evaluated: 2023-12-28. Review status: criteria provided, single submitter. Criteria: ACMG Guidelines, 2015. Collection method: clinical testing. Allele origin: germline.

ARUP Laboratories, Molecular Genetics and Genomics, ARUP Laboratories
Classification: Uncertain significance. Last evaluated: 2021-05-28. Review status: criteria provided, single submitter. Criteria: ARUP Molecular Germline Variant Investigation Process 2021. Collection method: clinical testing. Allele origin: germline.

GeneDx
Classification: Likely benign. Last evaluated: 2020-04-22. Review status: criteria provided, single submitter. Criteria: GeneDx Variant Classification Process June 2021. Collection method: clinical testing. Allele origin: germline. Affected: yes.

NM_001142864.4(PIEZO1):c.950G>C (p.Gly317Ala)

Genes: HSALR1 (HSP90AB1 associated lncRNA 1; plus strand), PIEZO1 (piezo type mechanosensitive ion channel component 1 (Er blood group); minus strand). Cytogenetic location: 16q24.3.
Variant type: single nucleotide variant.
Coding change: c.950G>C on transcript NM_001142864.4 (MANE Select); coding-DNA position 950, G replaced by C.
Protein change: p.Gly317Ala; replaces glycine 317 with alanine.
Molecular consequence: missense variant. On other transcripts: non-coding transcript variant (1).
Genome position (GRCh38, 1-based): chr16:88,738,004, C>G on the plus strand (G>C on the coding strand, the complement: PIEZO1 is on the minus strand). VCF-style: chr16-88738004-C-G. GRCh37 (hg19) VCF-style: chr16-88804412-C-G.
Other names: p.Gly317Ala; c.950G>C (NM_001142864.3); short protein forms G317A.
Identifiers: ClinVar variation 1189960 (VCV001189960.20), dbSNP rs868678918, ClinGen allele CA286436040.